The following is an entry in ClinVar:

ClinVar aggregate classification (germline): Uncertain significance (1 of 4 stars; one submission).

Allele frequency attached by ClinVar (database versions not stated): gnomAD exomes below 0.00001.
gnomAD v4.1: 1 of 1,614,194 alleles (0.000062%); highest among the groups gnomAD compares: African/African-American, 0.0013%; no homozygotes.

Submission:

Women's Health and Genetics/Laboratory Corporation of America, LabCorp
Classification: Uncertain significance. Last evaluated: 2020-03-09. Review status: criteria provided, single submitter. Criteria: LabCorp Variant Classification Summary - May 2015. Collection method: clinical testing. Allele origin: germline.
Comment: Variant summary: PAH c.302A>G (p.Asp101Gly) results in a non-conservative amino acid change located in the ACT domain (IPR002912) of the encoded protein sequence. Three of five in-silico tools predict a damaging effect of the variant on protein function. The variant was absent in 251456 control chromosomes (gnomAD). The available data on variant occurrences in the general population are insufficient to allow any conclusion about variant significance. To our knowledge, no occurrence of c.302A>G in individuals affected with Phenylalanine Hydroxylase Deficiency (Phenylketonuria) and no experimental evidence demonstrating its impact on protein function have been reported. No clinical diagnostic laboratories have submitted clinical-significance assessments for this variant to ClinVar after 2014. Based on the evidence outlined above, the variant was classified as uncertain significance.

NM_000277.3(PAH):c.302A>G (p.Asp101Gly)

Gene: PAH (phenylalanine hydroxylase; minus strand). Cytogenetic location: 12q23.2.
Variant type: single nucleotide variant.
Coding change: c.302A>G on transcript NM_000277.3 (MANE Select); coding-DNA position 302, A replaced by G.
Protein change: p.Asp101Gly; replaces aspartic acid 101 with glycine.
Molecular consequence: missense variant.
Genome position (GRCh38, 1-based): chr12:102,894,785, T>C on the plus strand (A>G on the coding strand, the complement: PAH is on the minus strand). VCF-style: chr12-102894785-T-C. GRCh37 (hg19) VCF-style: chr12-103288563-T-C.
Other names: c.302A>G, p.Asp101Gly (NM_001354304.2); short protein forms D101G.
Identifiers: ClinVar variation 918108 (VCV000918108.1), dbSNP rs1877425793, ClinGen allele CA386304023.